The following is an entry in ClinVar:

ClinVar aggregate classification (germline): Pathogenic (1 of 4 stars; one submission).

Conditions:
Familial focal epilepsy with variable foci (FPEVF). Identifiers: Orphanet 98820, MedGen C1858477, MONDO:0020310.

Submission:

Labcorp Genetics (formerly Invitae), Labcorp
Classification: Pathogenic for Familial focal epilepsy with variable foci. Last evaluated: 2023-03-04. Review status: criteria provided, single submitter. Criteria: Invitae Variant Classification Sherloc (09022015). Collection method: clinical testing. Allele origin: germline.
Comment: This sequence change creates a premature translational stop signal (p.Val733Serfs*30) in the DEPDC5 gene. It is expected to result in an absent or disrupted protein product. Loss-of-function variants in DEPDC5 are known to be pathogenic (PMID: 23542697, 23542701). This variant is not present in population databases (gnomAD no frequency). This variant has not been reported in the literature in individuals affected with DEPDC5-related conditions. ClinVar contains an entry for this variant (Variation ID: 1069325). Algorithms developed to predict the effect of sequence changes on RNA splicing suggest that this variant may disrupt the consensus splice site. For these reasons, this variant has been classified as Pathogenic.

Literature cited by the submitters: PubMed 23542697; PubMed 23542701.

NM_001242896.3(DEPDC5):c.2196dup (p.Val733fs)

Gene: DEPDC5 (DEP domain containing 5, GATOR1 subcomplex subunit; plus strand). Cytogenetic location: 22q12.3.
Variant type: Duplication.
Coding change: c.2196dup on transcript NM_001242896.3 (MANE Select); coding-DNA position 2196, one base duplicated (A; older notation c.2196dupA).
Protein change: p.Val733fs; shifts the reading frame from valine 733.
Molecular consequence: frameshift variant. On other transcripts: non-coding transcript variant (4), splice acceptor variant (3).
Genome position (GRCh38, 1-based): chr22:31,836,997, A duplicated. VCF-style (leftmost placement, unchanged base first): chr22-31836996-T-TA. GRCh37 (hg19) VCF-style: chr22-32232982-T-TA.
Other names: c.1962dup, p.Val655fs (NM_001242897.2, NM_001363854.2, NM_001364319.2); c.2196dup, p.Val733fs (NM_001363852.2, NM_001364318.2, NM_001364320.2); c.2112dup, p.Val705fs (NM_001369901.1, NM_001369902.1); c.2171-2dup (NM_001136029.4, NM_014662.6, NM_001369903.1); short protein forms V655fs, V705fs, V733fs.
Identifiers: ClinVar variation 1069325 (VCV001069325.7), dbSNP rs2148952560, ClinGen allele CA2499226157.
Genomic context (GRCh38, chr22:31,836,996, plus strand): 5'-ACCACATGTACCTTTTCCCCCTGTTACGTGAGGCAGTTCTGACACTGTCTGCTCCCCCTG[T>TA]AGTGCCAGGCTTCTGTTGCACAGTTGGAGTGGACTGGAAGTCTCTCACTACTCCGGCGTG-3'